The following is an entry in ClinVar:

ClinVar aggregate classification (germline): Pathogenic/Likely pathogenic. Review status: criteria provided, multiple submitters, no conflicts (2 of 4 stars). 2 submissions from 2 submitters: Pathogenic (1); Likely pathogenic (1). Last evaluated 2024-10-25.

Conditions:
IMPG2-related disorders.

Submissions (2):

Labcorp Genetics (formerly Invitae), Labcorp
Classification: Pathogenic. Last evaluated: 2024-10-25. Review status: criteria provided, single submitter. Criteria: Invitae Variant Classification Sherloc (09022015). Collection method: clinical testing. Allele origin: germline.
Comment: This sequence change creates a premature translational stop signal (p.Gln495*) in the IMPG2 gene. It is expected to result in an absent or disrupted protein product. Loss-of-function variants in IMPG2 are known to be pathogenic (PMID: 20673862). This variant is not present in population databases (gnomAD no frequency). This variant has not been reported in the literature in individuals affected with IMPG2-related conditions. ClinVar contains an entry for this variant (Variation ID: 2097907). Algorithms developed to predict the effect of sequence changes on RNA splicing suggest that this variant may disrupt the consensus splice site. For these reasons, this variant has been classified as Pathogenic.

Blueprint Genetics
Classification: Likely pathogenic for IMPG2-related disorders. Last evaluated: 2022-10-06. Review status: criteria provided, single submitter. Criteria: ACMG Guidelines, 2015. Collection method: clinical testing. Allele origin: germline. Affected: yes. Observed: 4 variant alleles.

Literature cited by the submitters: PubMed 20673862 (cited by Labcorp Genetics (formerly Invitae), Labcorp).

NM_016247.4(IMPG2):c.1483C>T (p.Gln495Ter)

Gene: IMPG2 (interphotoreceptor matrix proteoglycan 2; minus strand). Cytogenetic location: 3q12.3.
Variant type: single nucleotide variant.
Coding change: c.1483C>T on transcript NM_016247.4 (MANE Select); coding-DNA position 1483, C replaced by T.
Protein change: p.Gln495Ter; replaces glutamine 495 with a stop codon.
Molecular consequence: nonsense.
Genome position (GRCh38, 1-based): chr3:101,245,862, G>A on the plus strand (C>T on the coding strand, the complement: IMPG2 is on the minus strand). VCF-style: chr3-101245862-G-A. GRCh37 (hg19) VCF-style: chr3-100964706-G-A.
Other names: short protein forms Q495*.
Identifiers: ClinVar variation 2097907 (VCV002097907.5), dbSNP rs2508947333, ClinGen allele CA353862242.
Genomic context (GRCh38, chr3:101,245,862, plus strand): 5'-CATCTTCTACCAAGTGAGATCCAGAAGTCCTTTCCTCAGAAGCCACAGGCAAGCCAGTCT[G>A]AAGCACTGCCGGGGTGACAGAATGAAGAGTCAAGCTGCTAACCTCTAAAACCTCTGGGGA-3'